The following is an entry in ClinVar:

ClinVar aggregate classification (germline): Benign/Likely benign. Review status: criteria provided, multiple submitters, no conflicts (2 of 4 stars). 2 submissions from 2 submitters: Benign (1); Likely benign (1). Last evaluated 2026-08-19.

Conditions:
Hereditary cancer-predisposing syndrome. Also called: Neoplastic Syndromes, Hereditary; Tumor predisposition; Hereditary neoplastic syndrome; Hereditary Cancer Syndrome. Identifiers: Orphanet 140162, MedGen C0027672, MeSH D009386, MONDO:0015356.
DICER1-related tumor predisposition. Also called: DICER1-related pleuropulmonary blastoma cancer predisposition syndrome; DICER1 syndrome. Identifiers: Orphanet 284343, MedGen C3839822, MONDO:0100216.

gnomAD v4.1: 1 of 1,614,154 alleles (0.000062%); highest among the groups gnomAD compares: Non-Finnish European, 0.000085%; no homozygotes.

Submissions (2):

Myriad Genetics, Inc.
Classification: Benign for DICER1-related tumor predisposition. Last evaluated: 2026-08-19. Review status: criteria provided, single submitter. Criteria: Myriad Autosomal Dominant, Autosomal Recessive and X-Linked Classification Criteria (2023). Collection method: clinical testing. Allele origin: unknown.
Comment: This variant is considered benign. This variant is a silent/synonymous amino acid change and it is not expected to impact splicing.

Ambry Genetics
Classification: Likely benign for Hereditary cancer-predisposing syndrome. Last evaluated: 2024-09-02. Review status: criteria provided, single submitter. Criteria: Ambry Variant Classification Scheme 2023. Collection method: clinical testing. Allele origin: germline.

NM_177438.3(DICER1):c.4419A>G (p.Ser1473=)

Gene: DICER1 (dicer 1, ribonuclease III; minus strand). Cytogenetic location: 14q32.13.
Variant type: single nucleotide variant.
Coding change: c.4419A>G on transcript NM_177438.3 (MANE Select); coding-DNA position 4419, A replaced by G.
Protein change: p.Ser1473=; no amino-acid change (serine 1473 retained).
Molecular consequence: synonymous variant. On other transcripts: non-coding transcript variant (6).
Genome position (GRCh38, 1-based): chr14:95,096,501, T>C on the plus strand (A>G on the coding strand, the complement: DICER1 is on the minus strand). VCF-style: chr14-95096501-T-C. GRCh37 (hg19) VCF-style: chr14-95562838-T-C.
Other names: c.4014A>G, p.Ser1338= (NM_001395688.1, NM_001395689.1, NM_001395690.1 and 2 more transcripts); c.3852A>G, p.Ser1284= (NM_001395691.1); c.4419A>G, p.Ser1473= (NM_001395692.1, NM_001395693.1, NM_001395694.1 and 12 more transcripts); c.2736A>G, p.Ser912= (NM_001395697.1); c.4137A>G, p.Ser1379= (NM_001395686.1).
Identifiers: ClinVar variation 3501895 (VCV003501895.2).